The following is an entry in ClinVar:

ClinVar aggregate classification (germline): Uncertain significance. Review status: criteria provided, multiple submitters, no conflicts (2 of 4 stars). 3 submissions from 3 submitters: Uncertain significance (3). Last evaluated 2025-02-10.

Conditions:
X-linked myopathy with postural muscle atrophy. Also called: FHL1-Related Emery-Dreifuss Muscular Dystrophy, X-Linked. Identifiers: Orphanet 178461, MedGen C2678055, MONDO:0010401, OMIM 300696.
Cardiovascular phenotype. Identifiers: MedGen CN230736.

Allele frequency attached by ClinVar (database versions not stated): ExAC 0.00001; gnomAD exomes 0.00002; gnomAD 0.00003; TOPMed 0.00004.
gnomAD v4.1: 12 of 1,209,939 alleles (0.00099%); highest among the groups gnomAD compares: African/African-American, 0.01%; no homozygotes.

Submissions (3):

Ambry Genetics
Classification: Uncertain significance for Cardiovascular phenotype. Last evaluated: 2025-02-10. Review status: criteria provided, single submitter. Criteria: Ambry Variant Classification Scheme 2023. Collection method: clinical testing. Allele origin: germline.

Labcorp Genetics (formerly Invitae), Labcorp
Classification: Uncertain significance for X-linked myopathy with postural muscle atrophy. Last evaluated: 2025-01-06. Review status: criteria provided, single submitter. Criteria: Invitae Variant Classification Sherloc (09022015). Collection method: clinical testing. Allele origin: germline.
Comment: This sequence change replaces arginine, which is basic and polar, with histidine, which is basic and polar, at codon 67 of the FHL1 protein (p.Arg67His). The frequency data for this variant in the population databases is considered unreliable, as metrics indicate poor data quality at this position in the gnomAD database. This variant has not been reported in the literature in individuals affected with FHL1-related conditions. ClinVar contains an entry for this variant (Variation ID: 807821). An algorithm developed to predict the effect of missense changes on protein structure and function outputs the following: PolyPhen-2: "Benign". The histidine amino acid residue is found in multiple mammalian species, which suggests that this missense change does not adversely affect protein function. In summary, the available evidence is currently insufficient to determine the role of this variant in disease. Therefore, it has been classified as a Variant of Uncertain Significance.

GeneDx
Classification: Uncertain significance. Last evaluated: 2023-10-06. Review status: criteria provided, single submitter. Criteria: GeneDx Variant Classification Process June 2021. Collection method: clinical testing. Allele origin: germline. Affected: yes.
Comment: Has not been previously published as pathogenic or benign to our knowledge; In silico analysis supports that this missense variant has a deleterious effect on protein structure/function

NM_001159699.2(FHL1):c.248G>A (p.Arg83His)

Gene: FHL1 (four and a half LIM domains 1; plus strand). Cytogenetic location: Xq26.3.
Variant type: single nucleotide variant.
Coding change: c.248G>A on transcript NM_001159699.2 (MANE Select); coding-DNA position 248, G replaced by A.
Protein change: p.Arg83His; replaces arginine 83 with histidine.
Molecular consequence: missense variant. On other transcripts: non-coding transcript variant (1).
Genome position (GRCh38, 1-based): chrX:136,207,059, G>A. VCF-style: chrX-136207059-G-A. GRCh37 (hg19) VCF-style: chrX-135289218-G-A.
Other names: c.200G>A, p.Arg67His (NM_001159700.2, NM_001159702.3, NM_001159703.2 and 9 more transcripts); c.287G>A, p.Arg96His (NM_001159701.2); c.248G>A, p.Arg83His (NM_001330659.2); short protein forms R96H, R67H, R83H.
Identifiers: ClinVar variation 807821 (VCV000807821.22), dbSNP rs745544703, ClinGen allele CA10524972.